The following is an entry in ClinVar:

ClinVar aggregate classification (germline): Uncertain significance. Review status: criteria provided, multiple submitters, no conflicts (2 of 4 stars). 2 submissions from 2 submitters: Uncertain significance (2). Last evaluated 2025-01-04.

Allele frequency attached by ClinVar (database versions not stated): ESP Exome Variant Server 0.00023; ExAC 0.00002; TOPMed 0.00020; gnomAD exomes 0.00003; gnomAD 0.00019; 1000 Genomes Project 30x 0.00016; 1000 Genomes Project 0.00020.
gnomAD v4.1: 74 of 1,612,700 alleles (0.0046%); highest among the groups gnomAD compares: African/African-American, 0.089%; no homozygotes.

Submissions (2):

Ambry Genetics
Classification: Uncertain significance. Last evaluated: 2025-01-04. Review status: criteria provided, single submitter. Criteria: Ambry Variant Classification Scheme 2023. Collection method: clinical testing. Allele origin: germline.

Labcorp Genetics (formerly Invitae), Labcorp
Classification: Uncertain significance. Last evaluated: 2024-03-19. Review status: criteria provided, single submitter. Criteria: Invitae Variant Classification Sherloc (09022015). Collection method: clinical testing. Allele origin: germline.
Comment: This sequence change replaces isoleucine, which is neutral and non-polar, with valine, which is neutral and non-polar, at codon 225 of the NUP62 protein (p.Ile225Val). This variant is present in population databases (rs79733076, gnomAD 0.06%), and has an allele count higher than expected for a pathogenic variant. This variant has not been reported in the literature in individuals affected with NUP62-related conditions. ClinVar contains an entry for this variant (Variation ID: 2174490). An algorithm developed to predict the effect of missense changes on protein structure and function (PolyPhen-2) suggests that this variant is likely to be tolerated. In summary, the available evidence is currently insufficient to determine the role of this variant in disease. Therefore, it has been classified as a Variant of Uncertain Significance.

NM_016553.5(NUP62):c.673A>G (p.Ile225Val)

Genes: IL4I1 (interleukin 4 induced 1; minus strand), NUP62 (nucleoporin 62; minus strand). Cytogenetic location: 19q13.33.
Variant type: single nucleotide variant.
Coding change: c.673A>G on transcript NM_016553.5 (MANE Select); coding-DNA position 673, A replaced by G.
Protein change: p.Ile225Val; replaces isoleucine 225 with valine.
Molecular consequence: missense variant. On other transcripts: intron variant (3).
Genome position (GRCh38, 1-based): chr19:49,909,135, T>C on the plus strand (A>G on the coding strand, the complement: NUP62 is on the minus strand). VCF-style: chr19-49909135-T-C. GRCh37 (hg19) VCF-style: chr19-50412392-T-C.
Other names: c.673A>G, p.Ile225Val (NM_001193357.2, NM_012346.5, NM_153718.4 and 1 more transcripts); c.-227-4814A>G (NM_001258017.2, NM_172374.3); c.-285-4814A>G (NM_001258018.2); short protein forms I225V.
Identifiers: ClinVar variation 2174490 (VCV002174490.4), dbSNP rs79733076, ClinGen allele CA9589079.